The following is an entry in ClinVar:

NM_001369.3(DNAH5):c.11870A>G (p.Asp3957Gly)

Gene: DNAH5 (dynein axonemal heavy chain 5; minus strand). Cytogenetic location: 5p15.2.
Variant type: single nucleotide variant.
Coding change: c.11870A>G on transcript NM_001369.3 (MANE Select); coding-DNA position 11870, A replaced by G.
Protein change: p.Asp3957Gly; replaces aspartic acid 3957 with glycine.
Molecular consequence: missense variant.
Genome position (GRCh38, 1-based): chr5:13,729,452, T>C on the plus strand (A>G on the coding strand, the complement: DNAH5 is on the minus strand). VCF-style: chr5-13729452-T-C. GRCh37 (hg19) VCF-style: chr5-13729561-T-C.
Other names: short protein forms D3957G.
Identifiers: ClinVar variation 1957425 (VCV001957425.2), dbSNP rs2546546915, ClinGen allele CA359219631.

ClinVar aggregate classification (germline): Uncertain significance (1 of 4 stars; one submission).

Conditions:
Primary ciliary dyskinesia. Also called: Ciliary dyskinesia. Identifiers: Orphanet 244, MedGen C0008780, MONDO:0016575, HP:0012265.

Submission:

Labcorp Genetics (formerly Invitae), Labcorp
Classification: Uncertain significance for Primary ciliary dyskinesia. Last evaluated: 2022-04-12. Review status: criteria provided, single submitter. Criteria: Invitae Variant Classification Sherloc (09022015). Collection method: clinical testing. Allele origin: germline.
Comment: This sequence change replaces aspartic acid, which is acidic and polar, with glycine, which is neutral and non-polar, at codon 3957 of the DNAH5 protein (p.Asp3957Gly). This variant is not present in population databases (gnomAD no frequency). This variant has not been reported in the literature in individuals affected with DNAH5-related conditions. Advanced modeling of protein sequence and biophysical properties (such as structural, functional, and spatial information, amino acid conservation, physicochemical variation, residue mobility, and thermodynamic stability) performed at Invitae indicates that this missense variant is not expected to disrupt DNAH5 protein function. Algorithms developed to predict the effect of sequence changes on RNA splicing suggest that this variant may disrupt the consensus splice site. In summary, the available evidence is currently insufficient to determine the role of this variant in disease. Therefore, it has been classified as a Variant of Uncertain Significance.